The following is an entry in ClinVar:

ClinVar aggregate classification (germline): Uncertain significance. Review status: criteria provided, multiple submitters, no conflicts (2 of 4 stars). 2 submissions from 2 submitters: Uncertain significance (2). Last evaluated 2025-08-11.

Conditions:
Inborn genetic diseases. Identifiers: MedGen C0950123, MeSH D030342.

gnomAD v4.1: 1 of 1,613,778 alleles (0.000062%); no homozygotes.

Submissions (2):

Ambry Genetics
Classification: Uncertain significance for Inborn genetic diseases. Last evaluated: 2025-08-11. Review status: criteria provided, single submitter. Criteria: Ambry Variant Classification Scheme 2023. Collection method: clinical testing. Allele origin: germline.

Labcorp Genetics (formerly Invitae), Labcorp
Classification: Uncertain significance. Last evaluated: 2022-02-15. Review status: criteria provided, single submitter. Criteria: Invitae Variant Classification Sherloc (09022015). Collection method: clinical testing. Allele origin: germline.
Comment: This sequence change replaces histidine, which is basic and polar, with aspartic acid, which is acidic and polar, at codon 2677 of the HSPG2 protein (p.His2677Asp). This variant is not present in population databases (gnomAD no frequency). This variant has not been reported in the literature in individuals affected with HSPG2-related conditions. Algorithms developed to predict the effect of missense changes on protein structure and function are either unavailable or do not agree on the potential impact of this missense change (SIFT: "Tolerated"; PolyPhen-2: "Probably Damaging"; Align-GVGD: "Class C0"). In summary, the available evidence is currently insufficient to determine the role of this variant in disease. Therefore, it has been classified as a Variant of Uncertain Significance.

NM_005529.7(HSPG2):c.8029C>G (p.His2677Asp)

Gene: HSPG2 (heparan sulfate proteoglycan 2; minus strand). Cytogenetic location: 1p36.12.
Variant type: single nucleotide variant.
Coding change: c.8029C>G on transcript NM_005529.7 (MANE Select); coding-DNA position 8029, C replaced by G.
Protein change: p.His2677Asp; replaces histidine 2677 with aspartic acid.
Molecular consequence: missense variant.
Genome position (GRCh38, 1-based): chr1:21,847,489, G>C on the plus strand (C>G on the coding strand, the complement: HSPG2 is on the minus strand). VCF-style: chr1-21847489-G-C. GRCh37 (hg19) VCF-style: chr1-22173982-G-C.
Other names: c.8032C>G, p.His2678Asp (NM_001291860.2); c.8029C>G (NM_005529.5); short protein forms H2677D, H2678D.
Identifiers: ClinVar variation 1424549 (VCV001424549.6), dbSNP rs2152713146, ClinGen allele CA338920175.
Genomic context (GRCh38, chr1:21,847,489, plus strand): 5'-GGCACACATACTCGCCCGAGTCAGCCACAGACATTTGGTGCAACCGCAGGTGGGAGCCAT[G>C]GGTCTGGACGTGCGGATGGGGAAGGAGAGGGAGAGGGAGTGGAGGGACGCTGGGGTCACC-3'
Protein context (NP_005520.4, residues 2667-2687): GGSLPSRHQT[His2677Asp]GSHLRLHQMS